The following is an entry in ClinVar:

ClinVar aggregate classification (germline): Pathogenic/Likely pathogenic. Review status: criteria provided, multiple submitters, no conflicts (2 of 4 stars). 6 submissions from 6 submitters: Pathogenic (3); Likely pathogenic (3). Last evaluated 2026-04-22.

Conditions:
Neuropathy, hereditary sensory, type 2C. Also called: Hereditary sensory and autonomic neuropathy type IIC; KIF1A-Related HSAN2 (HSAN2C). Identifiers: Orphanet 970, MedGen C3280168, MONDO:0013634, OMIM 614213.
Intellectual disability, autosomal dominant 9 (NESCAVS). Also called: NESCAV SYNDROME; KIF1A-Related Neurodevelopmental Disorder. Identifiers: Orphanet 662367, MedGen C5393830, MONDO:0013656, OMIM 614255.
Hereditary spastic paraplegia 30. Identifiers: Orphanet 101010, MedGen C5235139, MONDO:0012476.
KIF1A-related disorder. Also called: KIF1A-related disorders; KIF1A-related condition.

Allele frequency attached by ClinVar (database versions not stated): gnomAD exomes below 0.00001.
gnomAD v4.1: 4 of 1,613,612 alleles (0.00025%); highest among the groups gnomAD compares: Non-Finnish European, 0.00025%; no homozygotes.

Submissions (6):

PreventionGenetics, part of Exact Sciences
Classification: Likely pathogenic for KIF1A-related condition. Last evaluated: 2026-04-22. Review status: criteria provided, single submitter. Criteria: ACMG Guidelines, 2015. Collection method: clinical testing. Allele origin: germline.
Comment: The KIF1A c.500G>A variant is predicted to result in the amino acid substitution p.Arg167His. This variant has been reported in the heterozygous state in individuals with hereditary spastic paraplegia (HSP, Pennings et al. 2020. PubMed ID: 31488895; Supplementary Table 2, Méreaux. 2022. PubMed ID: 34983064; Vecchia et al. 2021. PubMed ID: 34487232). An alternate missense variant at the same amino acid position (p.Arg167Cys) has been reported in the heterozygous state in individuals with HSP and has been noted to impact protein function (see, for example, Lee et al. 2015. PubMed ID: 25265257; Vecchia et al. 2022. PubMed ID: 34487232; Citterio et al. 2015. PubMed ID: 26410750; Table S2, Ek et al. 2023. PubMed ID: 37273706). The c.500G>A variant has not been reported in a large population database (gnomAD), indicating this variant is rare, and it is classified as likely pathogenic or pathogenic in ClinVar (Variation ID: 974913). This variant is interpreted as likely pathogenic.

GeneDx
Classification: Likely pathogenic. Last evaluated: 2025-02-25. Review status: criteria provided, single submitter. Criteria: GeneDx Variant Classification Process June 2021. Collection method: clinical testing. Allele origin: germline. Affected: yes.
Comment: Not observed at significant frequency in large population cohorts (gnomAD); In silico analysis supports that this missense variant has a deleterious effect on protein structure/function; This variant is associated with the following publications: (PMID: 34487232, 26125038, 21820098, 21376300, 34983064, 31488895, 25265257)

Labcorp Genetics (formerly Invitae), Labcorp
Classification: Pathogenic for Hereditary spastic paraplegia 30; Neuropathy, hereditary sensory, type 2C; Intellectual disability, autosomal dominant 9. Last evaluated: 2023-05-22. Review status: criteria provided, single submitter. Criteria: Invitae Variant Classification Sherloc (09022015). Collection method: clinical testing. Allele origin: germline.
Comment: This sequence change replaces arginine, which is basic and polar, with histidine, which is basic and polar, at codon 167 of the KIF1A protein (p.Arg167His). For these reasons, this variant has been classified as Pathogenic. This variant disrupts the p.Arg167 amino acid residue in KIF1A. Other variant(s) that disrupt this residue have been determined to be pathogenic (PMID: 25265257, 26410750, 34487232). This suggests that this residue is clinically significant, and that variants that disrupt this residue are likely to be disease-causing. Advanced modeling of protein sequence and biophysical properties (such as structural, functional, and spatial information, amino acid conservation, physicochemical variation, residue mobility, and thermodynamic stability) performed at Invitae indicates that this missense variant is expected to disrupt KIF1A protein function. ClinVar contains an entry for this variant (Variation ID: 974913). This missense change has been observed in individuals with autosomal dominant hereditary spastic paraplegia (PMID: 31488895, 34487232). This variant is not present in population databases (gnomAD no frequency).

CeGaT Center for Human Genetics Tuebingen
Classification: Pathogenic. Last evaluated: 2022-12-01. Review status: criteria provided, single submitter. Criteria: CeGaT Center For Human Genetics Tuebingen Variant Classification Criteria Version 2. Collection method: clinical testing. Allele origin: germline. Affected: yes. Observed: 1 variant allele.
Comment: KIF1A: PS2, PM2, PM5:Supporting, PP2, PP3, PS1:Supporting

SIB Swiss Institute of Bioinformatics
Classification: Likely pathogenic for Spastic paraplegia 30A, autosomal dominant. Last evaluated: 2020-06-15. Review status: criteria provided, single submitter. Criteria: ACMG Guidelines, 2015. Collection method: curation. Allele origin: unknown.
Comment: This variant is interpreted as likely pathogenic for spastic paraplegia 30, autosomal dominant. The following ACMG Tag(s) were applied: Absent from controls (or at extremely low frequency if recessive) in Exome Sequencing Project, 1000 Genomes Project, or Exome Aggregation Consortium (PM2); Novel missense change at an amino acid residue where a different missense change determined to be pathogenic has been seen before (PM5); Multiple lines of computational evidence support a deleterious effect on the gene or gene product (PP3); Missense variant in a gene that has a low rate of benign missense variation and in which missense variants are a common mechanism of disease (PP2).

Paris Brain Institute, Inserm - ICM
Classification: Pathogenic for Spastic paraplegia 30A, autosomal dominant. Review status: criteria provided, single submitter. Criteria: ACMG Guidelines, 2015. Collection method: clinical testing. Allele origin: unknown. Affected: yes. Observed: 1 variant allele.

Literature cited by the submitters: PubMed 25265257 (cited by Labcorp Genetics (formerly Invitae), Labcorp); PubMed 26410750 (cited by Labcorp Genetics (formerly Invitae), Labcorp); PubMed 34487232 (cited by Labcorp Genetics (formerly Invitae), Labcorp); PubMed 31488895 (cited by Labcorp Genetics (formerly Invitae), Labcorp and SIB Swiss Institute of Bioinformatics).

NM_001244008.2(KIF1A):c.500G>A (p.Arg167His)

Gene: KIF1A (kinesin family member 1A; minus strand). Cytogenetic location: 2q37.3.
Variant type: single nucleotide variant.
Coding change: c.500G>A on transcript NM_001244008.2 (MANE Select); coding-DNA position 500, G replaced by A.
Protein change: p.Arg167His; replaces arginine 167 with histidine.
Molecular consequence: missense variant.
Genome position (GRCh38, 1-based): chr2:240,786,443, C>T on the plus strand (G>A on the coding strand, the complement: KIF1A is on the minus strand). VCF-style: chr2-240786443-C-T. GRCh37 (hg19) VCF-style: chr2-241725860-C-T.
Other names: c.500G>A (NM_004321.6); c.500G>A, p.Arg167His (NM_001320705.2, NM_001330289.2, NM_001330290.2 and 20 more transcripts); short protein forms R167H.
Identifiers: ClinVar variation 974913 (VCV000974913.42), dbSNP rs2054757914, ClinGen allele CA351306501.